The following is an entry in ClinVar:

NM_030665.4(RAI1):c.4817C>T (p.Ala1606Val)

Gene: RAI1 (retinoic acid induced 1; plus strand). Cytogenetic location: 17p11.2.
Variant type: single nucleotide variant.
Coding change: c.4817C>T on transcript NM_030665.4 (MANE Select); coding-DNA position 4817, C replaced by T.
Protein change: p.Ala1606Val; replaces alanine 1606 with valine.
Molecular consequence: missense variant.
Genome position (GRCh38, 1-based): chr17:17,797,765, C>T. VCF-style: chr17-17797765-C-T. GRCh37 (hg19) VCF-style: chr17-17701079-C-T.
Other names: c.4817C>T (NM_030665.3); short protein forms A1606V.
Identifiers: ClinVar variation 1367212 (VCV001367212.11), dbSNP rs771535517, ClinGen allele CA8419034.

ClinVar aggregate classification (germline): Benign/Likely benign. Review status: criteria provided, multiple submitters, no conflicts (2 of 4 stars). 3 submissions from 3 submitters: Benign (1); Likely benign (2). Last evaluated 2026-07-21.

Conditions:
Inborn genetic diseases. Identifiers: MedGen C0950123, MeSH D030342.
RAI1-related disorder. Also called: RAI1-related condition.

Allele frequency attached by ClinVar (database versions not stated): gnomAD exomes 0.00001 and 0.00002; ExAC 0.00002; gnomAD 0.00003; TOPMed 0.00003.
gnomAD v4.1: 25 of 1,613,982 alleles (0.0015%); highest among the groups gnomAD compares: South Asian, 0.0022%; no homozygotes.

Submissions (3):

PreventionGenetics, part of Exact Sciences
Classification: Likely benign for RAI1-related condition. Last evaluated: 2026-07-21. Review status: criteria provided, single submitter. Criteria: ACMG Guidelines, 2015. Collection method: clinical testing. Allele origin: germline.
Comment: This variant is classified as likely benign based on ACMG/AMP sequence variant interpretation guidelines (Richards et al. 2015 PMID: 25741868, with internal and published modifications).

Labcorp Genetics (formerly Invitae), Labcorp
Classification: Benign. Last evaluated: 2025-11-25. Review status: criteria provided, single submitter. Criteria: Invitae Variant Classification Sherloc (09022015). Collection method: clinical testing. Allele origin: germline.

Ambry Genetics
Classification: Likely benign for Inborn genetic diseases. Last evaluated: 2021-07-14. Review status: criteria provided, single submitter. Criteria: Ambry Variant Classification Scheme 2023. Collection method: clinical testing. Allele origin: germline.